The following is an entry in ClinVar:

ClinVar aggregate classification (germline): Uncertain significance (1 of 4 stars; one submission).

gnomAD v4.1: 2 of 1,572,008 alleles (0.00013%); highest among the groups gnomAD compares: Non-Finnish European, 0.000087%; no homozygotes.

Submission:

Labcorp Genetics (formerly Invitae), Labcorp
Classification: Uncertain significance. Last evaluated: 2024-10-23. Review status: criteria provided, single submitter. Criteria: Invitae Variant Classification Sherloc (09022015). Collection method: clinical testing. Allele origin: germline.
Comment: This sequence change replaces lysine, which is basic and polar, with threonine, which is neutral and polar, at codon 433 of the EYS protein (p.Lys433Thr). This variant is not present in population databases (gnomAD no frequency). This variant has not been reported in the literature in individuals affected with EYS-related conditions. ClinVar contains an entry for this variant (Variation ID: 1360262). An algorithm developed to predict the effect of missense changes on protein structure and function outputs the following: PolyPhen-2: "Benign". The threonine amino acid residue is found in multiple mammalian species, which suggests that this missense change does not adversely affect protein function. In summary, the available evidence is currently insufficient to determine the role of this variant in disease. Therefore, it has been classified as a Variant of Uncertain Significance.

NM_001142800.2(EYS):c.1298A>C (p.Lys433Thr)

Gene: EYS (EGF-like photoreceptor maintenance factor; minus strand). Cytogenetic location: 6q12.
Variant type: single nucleotide variant.
Coding change: c.1298A>C on transcript NM_001142800.2 (MANE Select); coding-DNA position 1298, A replaced by C.
Protein change: p.Lys433Thr; replaces lysine 433 with threonine.
Molecular consequence: missense variant.
Genome position (GRCh38, 1-based): chr6:65,384,387, T>G on the plus strand (A>C on the coding strand, the complement: EYS is on the minus strand). VCF-style: chr6-65384387-T-G. GRCh37 (hg19) VCF-style: chr6-66094280-T-G.
Other names: c.1298A>C, p.Lys433Thr (NM_001142801.2, NM_001292009.2, NM_198283.2); short protein forms K433T.
Identifiers: ClinVar variation 1360262 (VCV001360262.8), dbSNP rs1361667383, ClinGen allele CA364661976.
Genomic context (GRCh38, chr6:65,384,387, plus strand): 5'-AACTGAGTCTATTGTATTTTGAAGGGCTAACTTATGTTGCCATGTATTAAATTACTTACT[T>G]TGAATCTTCCAATTATATTGAAACACCATTCTTCATTCAGACAGTTGATGCTGAGCAGTT-3'
Protein context (NP_001136272.1, residues 423-443): EWCFNIIGRF[Lys433Thr]YVCIPGCTKN